The following is an entry in ClinVar:

ClinVar aggregate classification (germline): Uncertain significance (1 of 4 stars; one submission).

Conditions:
ADAMTS9-related disorder. Also called: ADAMTS9-related condition.

gnomAD v4.1: 37 of 1,613,838 alleles (0.0023%); highest among the groups gnomAD compares: Middle Eastern, 0.017%; no homozygotes.

Submission:

PreventionGenetics, part of Exact Sciences
Classification: Uncertain significance for ADAMTS9-related condition. Last evaluated: 2026-02-26. Review status: criteria provided, single submitter. Criteria: ACMG Guidelines, 2015. Collection method: clinical testing. Allele origin: germline.
Comment: The ADAMTS9 c.2755G>A variant is predicted to result in the amino acid substitution p.Asp919Asn. To our knowledge, this variant has not been reported in the literature. This variant is reported in 0.011% of alleles in individuals of Latino descent in gnomAD. At this time, the clinical significance of this variant is uncertain due to the absence of conclusive functional and genetic evidence.

NM_182920.2(ADAMTS9):c.2755G>A (p.Asp919Asn)

Gene: ADAMTS9 (ADAM metallopeptidase with thrombospondin type 1 motif 9; minus strand). Cytogenetic location: 3p14.1.
Variant type: single nucleotide variant.
Coding change: c.2755G>A on transcript NM_182920.2 (MANE Select); coding-DNA position 2755, G replaced by A.
Protein change: p.Asp919Asn; replaces aspartic acid 919 with asparagine.
Molecular consequence: missense variant.
Genome position (GRCh38, 1-based): chr3:64,621,172, C>T on the plus strand (G>A on the coding strand, the complement: ADAMTS9 is on the minus strand). VCF-style: chr3-64621172-C-T. GRCh37 (hg19) VCF-style: chr3-64606848-C-T.
Other names: c.2671G>A, p.Asp891Asn (NM_001318781.2); short protein forms D919N, D891N.
Identifiers: ClinVar variation 4990258 (VCV004990258.1).